The following is an entry in ClinVar:

ClinVar aggregate classification (germline): Uncertain significance (1 of 4 stars; one submission).

Submission:

GeneDx
Classification: Uncertain significance. Last evaluated: 2021-10-20. Review status: criteria provided, single submitter. Criteria: GeneDx Variant Classification Process June 2021. Collection method: clinical testing. Allele origin: germline. Affected: yes.
Comment: In silico analysis supports that this missense variant has a deleterious effect on protein structure/function; Has not been previously published as pathogenic or benign to our knowledge

NM_006941.4(SOX10):c.368C>T (p.Ala123Val)

Genes: POLR2F (RNA polymerase II, I and III subunit F; plus strand), SOX10 (SRY-box transcription factor 10; minus strand). Cytogenetic location: 22q13.1.
Variant type: single nucleotide variant.
Coding change: c.368C>T on transcript NM_006941.4 (MANE Select); coding-DNA position 368, C replaced by T.
Protein change: p.Ala123Val; replaces alanine 123 with valine.
Molecular consequence: missense variant. On other transcripts: intron variant (3).
Genome position (GRCh38, 1-based): chr22:37,983,417, G>A on the plus strand (C>T on the coding strand, the complement: SOX10 is on the minus strand). VCF-style: chr22-37983417-G-A. GRCh37 (hg19) VCF-style: chr22-38379424-G-A.
Other names: c.*38+11107G>A (NM_001363825.1); c.294-2737G>A (NM_001301130.2); c.293+16247G>A (NM_001301131.2); short protein forms A123V.
Identifiers: ClinVar variation 1678688 (VCV001678688.4), dbSNP rs1387386886, ClinGen allele CA411500298.
Genomic context (GRCh38, chr22:37,983,417, plus strand): 5'-CTCCAGAGCTTGCCCAGCGTCTTGCTGAGCTCAGCGTTGTGCAGGTGCGGGTACTGGTCC[G>A]CGAGCTTCCTGCGCGCTGCCTGAGCCCACACCATGAAGGCGTTCATGGGCCGCTTGACGT-3'
Protein context (NP_008872.1, residues 113-133): VWAQAARRKL[Ala123Val]DQYPHLHNAE